The following is an entry in ClinVar:

NM_020800.3(IFT80):c.1836G>A (p.Lys612=)

Genes: IFT80 (intraflagellar transport 80; minus strand), TRIM59-IFT80 (TRIM59-IFT80 readthrough (NMD candidate); minus strand). Cytogenetic location: 3q25.33.
Variant type: single nucleotide variant.
Coding change: c.1836G>A on transcript NM_020800.3 (MANE Select); coding-DNA position 1836, G replaced by A.
Protein change: p.Lys612=; no amino-acid change (lysine 612 retained).
Molecular consequence: synonymous variant. On other transcripts: non-coding transcript variant (3).
Genome position (GRCh38, 1-based): chr3:160,279,193, C>T on the plus strand (G>A on the coding strand, the complement: IFT80 is on the minus strand). VCF-style: chr3-160279193-C-T. GRCh37 (hg19) VCF-style: chr3-159996981-C-T.
Other names: c.1425G>A, p.Lys475= (NM_001190241.2, NM_001190242.2).
Identifiers: ClinVar variation 1040720 (VCV001040720.6), dbSNP rs758317567, ClinGen allele CA2685047.
Genomic context (GRCh38, chr3:160,279,193, plus strand): 5'-TGCACAAAGGTAAACTACTATGAAATATATATACAACTATGAATCTAAAATGTAAATTAC[C>T]TTAACAAAGCGACAAAGTCTCACAGCATCTTCCCATTTTGAACTGCTTACATATTCATGG-3'
Protein context (NP_065851.1, residues 602-622): EDAVRLCRFV[Lys612=]EQTMWACLAA

ClinVar aggregate classification (germline): Uncertain significance (1 of 4 stars; one submission).

Conditions:
Jeune thoracic dystrophy. Also called: Jeune syndrome; Short-rib thoracic dysplasia; Infantile thoracic dystrophy; Thoracic pelvic phalangeal dystrophy; Jeune's syndrome; Chondroectodermal dysplasia-like syndrome. Identifiers: Orphanet 474, MedGen C0265275, MONDO:0018770.

Allele frequency attached by ClinVar (database versions not stated): ExAC 0.00001.

Submission:

Labcorp Genetics (formerly Invitae), Labcorp
Classification: Uncertain significance for Jeune thoracic dystrophy. Last evaluated: 2022-06-20. Review status: criteria provided, single submitter. Criteria: Invitae Variant Classification Sherloc (09022015). Collection method: clinical testing. Allele origin: germline.
Comment: In summary, the available evidence is currently insufficient to determine the role of this variant in disease. Therefore, it has been classified as a Variant of Uncertain Significance. Variants that disrupt the consensus splice site are a relatively common cause of aberrant splicing (PMID: 17576681, 9536098). Algorithms developed to predict the effect of sequence changes on RNA splicing suggest that this variant may disrupt the consensus splice site. ClinVar contains an entry for this variant (Variation ID: 1040720). This variant has not been reported in the literature in individuals affected with IFT80-related conditions. This variant is not present in population databases (gnomAD no frequency). This sequence change affects codon 612 of the IFT80 mRNA. It is a 'silent' change, meaning that it does not change the encoded amino acid sequence of the IFT80 protein. This variant also falls at the last nucleotide of exon 16, which is part of the consensus splice site for this exon.

Literature cited by the submitters: PubMed 17576681; PubMed 9536098.